The following is an entry in ClinVar:

ClinVar aggregate classification (germline): Uncertain significance. Review status: criteria provided, multiple submitters, no conflicts (2 of 4 stars). 2 submissions from 2 submitters: Uncertain significance (2). Last evaluated 2025-01-22.

Conditions:
Mucopolysaccharidosis, MPS-III-C (MPS3C). Also called: SANFILIPPO SYNDROME C; MPS III C; MPS IIIC (Sanfilippo Syndrome Type C); MUCOPOLYSACCHARIDOSIS, TYPE IIIC; Mucopolysaccharidosis type IIIC (Sanfilippo C); mucopolysaccharidosis type 3C. Identifiers: Orphanet 581, Orphanet 79271, MedGen C0086649, MONDO:0009657, OMIM 252930.
Retinitis pigmentosa 73 (RP73). Identifiers: Orphanet 791, MedGen C4225287, MONDO:0014687, OMIM 616544.
Inborn genetic diseases. Identifiers: MedGen C0950123, MeSH D030342.

Allele frequency attached by ClinVar (database versions not stated): gnomAD exomes 0.00003; ExAC 0.00004; gnomAD 0.00002 and 0.00004; ESP Exome Variant Server 0.00008; TOPMed 0.00002.
gnomAD v4.1: 34 of 1,613,840 alleles (0.0021%); highest among the groups gnomAD compares: South Asian, 0.024%; no homozygotes.

Submissions (2):

Ambry Genetics
Classification: Uncertain significance for Inborn genetic diseases. Last evaluated: 2025-01-22. Review status: criteria provided, single submitter. Criteria: Ambry Variant Classification Scheme 2023. Collection method: clinical testing. Allele origin: germline.

Labcorp Genetics (formerly Invitae), Labcorp
Classification: Uncertain significance for Retinitis pigmentosa 73; Mucopolysaccharidosis, MPS-III-C. Last evaluated: 2022-09-06. Review status: criteria provided, single submitter. Criteria: Invitae Variant Classification Sherloc (09022015). Collection method: clinical testing. Allele origin: germline.
Comment: This sequence change replaces alanine, which is neutral and non-polar, with valine, which is neutral and non-polar, at codon 93 of the HGSNAT protein (p.Ala93Val). This variant is present in population databases (rs372055513, gnomAD 0.02%). This variant has not been reported in the literature in individuals affected with HGSNAT-related conditions. ClinVar contains an entry for this variant (Variation ID: 1499803). Advanced modeling of protein sequence and biophysical properties (such as structural, functional, and spatial information, amino acid conservation, physicochemical variation, residue mobility, and thermodynamic stability) performed at Invitae indicates that this missense variant is not expected to disrupt HGSNAT protein function. Algorithms developed to predict the effect of sequence changes on RNA splicing suggest that this variant may create or strengthen a splice site. In summary, the available evidence is currently insufficient to determine the role of this variant in disease. Therefore, it has been classified as a Variant of Uncertain Significance.

NM_152419.3(HGSNAT):c.278C>T (p.Ala93Val)

Gene: HGSNAT (heparan-alpha-glucosaminide N-acetyltransferase; plus strand). Cytogenetic location: 8p11.21.
Variant type: single nucleotide variant.
Coding change: c.278C>T on transcript NM_152419.3 (MANE Select); coding-DNA position 278, C replaced by T.
Protein change: p.Ala93Val; replaces alanine 93 with valine.
Molecular consequence: missense variant. On other transcripts: 5 prime UTR variant (1).
Genome position (GRCh38, 1-based): chr8:43,158,618, C>T. VCF-style: chr8-43158618-C-T. GRCh37 (hg19) VCF-style: chr8-43013761-C-T.
Other names: c.278C>T, p.Ala93Val (NM_001363227.2, NM_001363228.2); c.-556C>T (NM_001363229.2); c.278C>T (NM_152419.2); short protein forms A93V.
Identifiers: ClinVar variation 1499803 (VCV001499803.4), dbSNP rs372055513, ClinGen allele CA4736467.